The following is an entry in ClinVar:

ClinVar aggregate classification (germline): Uncertain significance (1 of 4 stars; one submission).

Conditions:
Brugada syndrome 4 (BRGDA4). Identifiers: Orphanet 130, MedGen C2678477, MONDO:0012743, OMIM 611876.

Allele frequency attached by ClinVar (database versions not stated): gnomAD exomes below 0.00001; gnomAD 0.00001.
gnomAD v4.1: 6 of 1,613,678 alleles (0.00037%); highest among the groups gnomAD compares: African/African-American, 0.0013%; no homozygotes.

Submission:

Labcorp Genetics (formerly Invitae), Labcorp
Classification: Uncertain significance for Brugada syndrome 4. Last evaluated: 2021-09-02. Review status: criteria provided, single submitter. Criteria: Invitae Variant Classification Sherloc (09022015). Collection method: clinical testing. Allele origin: germline.
Comment: This sequence change replaces alanine with valine at codon 249 of the CACNB2 protein (p.Ala249Val). The alanine residue is highly conserved and there is a small physicochemical difference between alanine and valine. This variant is not present in population databases (ExAC no frequency). This variant has not been reported in the literature in individuals affected with CACNB2-related conditions. Algorithms developed to predict the effect of missense changes on protein structure and function (SIFT, PolyPhen-2, Align-GVGD) all suggest that this variant is likely to be disruptive. In summary, the available evidence is currently insufficient to determine the role of this variant in disease. Therefore, it has been classified as a Variant of Uncertain Significance.

NM_201596.3(CACNB2):c.908C>T (p.Ala303Val)

Gene: CACNB2 (calcium voltage-gated channel auxiliary subunit beta 2; plus strand). Cytogenetic location: 10p12.31.
Variant type: single nucleotide variant.
Coding change: c.908C>T on transcript NM_201596.3 (MANE Select); coding-DNA position 908, C replaced by T.
Protein change: p.Ala303Val; replaces alanine 303 with valine.
Molecular consequence: missense variant.
Genome position (GRCh38, 1-based): chr10:18,518,932, C>T. VCF-style: chr10-18518932-C-T. GRCh37 (hg19) VCF-style: chr10-18807861-C-T.
Other names: c.743C>T, p.Ala248Val (NM_000724.4); c.710C>T, p.Ala237Val (NM_001167945.2); c.629C>T, p.Ala210Val (NM_001330060.2); c.764C>T, p.Ala255Val (NM_201570.3); c.824C>T, p.Ala275Val (NM_201571.4); c.752C>T, p.Ala251Val (NM_201572.4); c.746C>T, p.Ala249Val (NM_201590.3); c.794C>T, p.Ala265Val (NM_201593.3); and 1 more; short protein forms A237V, A279V, A303V, A210V, A248V, A251V, A249V, A255V.
Identifiers: ClinVar variation 850024 (VCV000850024.7), dbSNP rs1444302148, ClinGen allele CA376061804.